The following is an entry in ClinVar:

ClinVar aggregate classification (germline): Uncertain significance. Review status: criteria provided, multiple submitters, no conflicts (2 of 4 stars). 2 submissions from 2 submitters: Uncertain significance (2). Last evaluated 2024-10-22.

Conditions:
Neuropathy, hereditary sensory and autonomic, type 2A (HSAN2A). Also called: ACROOSTEOLYSIS, GIACCAI TYPE; ACROOSTEOLYSIS, NEUROGENIC; MORVAN DISEASE; NEUROPATHY, CONGENITAL SENSORY; NEUROPATHY, HEREDITARY SENSORY RADICULAR, AUTOSOMAL RECESSIVE; NEUROPATHY, HEREDITARY SENSORY, TYPE IIA. Identifiers: Orphanet 970, MedGen C2752089, MONDO:0024309, OMIM 201300.
Generalized epilepsy with febrile seizures plus, type 7 (GEFSP7). Also called: GEFS+, TYPE 7. Identifiers: Orphanet 36387, MedGen C2751778, MONDO:0013470, OMIM 613863.

Submissions (2):

Labcorp Genetics (formerly Invitae), Labcorp
Classification: Uncertain significance for Neuropathy, hereditary sensory and autonomic, type 2A; Generalized epilepsy with febrile seizures plus, type 7. Last evaluated: 2024-10-22. Review status: criteria provided, single submitter. Criteria: Invitae Variant Classification Sherloc (09022015). Collection method: clinical testing. Allele origin: germline.
Comment: This sequence change replaces leucine, which is neutral and non-polar, with valine, which is neutral and non-polar, at codon 75 of the SCN9A protein (p.Leu75Val). This variant is not present in population databases (gnomAD no frequency). This variant has not been reported in the literature in individuals affected with SCN9A-related conditions. ClinVar contains an entry for this variant (Variation ID: 1331537). Invitae Evidence Modeling of protein sequence and biophysical properties (such as structural, functional, and spatial information, amino acid conservation, physicochemical variation, residue mobility, and thermodynamic stability) has been performed for this missense variant. However, the output from this modeling did not meet the statistical confidence thresholds required to predict the impact of this variant on SCN9A protein function. In summary, the available evidence is currently insufficient to determine the role of this variant in disease. Therefore, it has been classified as a Variant of Uncertain Significance.

Greenwood Genetic Center Diagnostic Laboratories, Greenwood Genetic Center
Classification: Uncertain significance. Last evaluated: 2020-12-02. Review status: criteria provided, single submitter. Criteria: ACMG Guidelines, 2015. Collection method: clinical testing. Allele origin: germline. Affected: yes.
Comment: PM2

NM_001365536.1(SCN9A):c.223C>G (p.Leu75Val)

Gene: SCN9A (sodium voltage-gated channel alpha subunit 9; minus strand). Cytogenetic location: 2q24.3.
Variant type: single nucleotide variant.
Coding change: c.223C>G on transcript NM_001365536.1 (MANE Select); coding-DNA position 223, C replaced by G.
Protein change: p.Leu75Val; replaces leucine 75 with valine.
Molecular consequence: missense variant.
Genome position (GRCh38, 1-based): chr2:166,311,534, G>C on the plus strand (C>G on the coding strand, the complement: SCN9A is on the minus strand). VCF-style: chr2-166311534-G-C. GRCh37 (hg19) VCF-style: chr2-167168044-G-C.
Other names: c.223C>G, p.Leu75Val (NM_002977.4); short protein forms L75V.
Identifiers: ClinVar variation 1331537 (VCV001331537.6), dbSNP rs201563763, ClinGen allele CA59810362.